The following is an entry in ClinVar:

NM_014795.4(ZEB2):c.1091_1092dup (p.Ala365fs)

Gene: ZEB2 (zinc finger E-box binding homeobox 2; minus strand). Cytogenetic location: 2q22.3.
Variant type: Duplication.
Coding change: c.1091_1092dup on transcript NM_014795.4 (MANE Select); coding-DNA positions 1091 to 1092, 2 bases duplicated (CA; older notation c.1091_1092dupCA).
Protein change: p.Ala365fs; shifts the reading frame from alanine 365.
Molecular consequence: frameshift variant.
Genome position (GRCh38, 1-based): chr2:144,400,095-144,400,096, TG duplicated on the plus strand (CA on the coding strand, the reverse complement: ZEB2 is on the minus strand). VCF-style (leftmost placement, unchanged base first): chr2-144400094-C-CTG. GRCh37 (hg19) VCF-style: chr2-145157661-C-CTG.
Other names: c.1019_1020dup, p.Ala341fs (NM_001171653.2); short protein forms A341fs, A365fs.
Identifiers: ClinVar variation 280387 (VCV000280387.1), dbSNP rs886041601, ClinGen allele CA10602811.

ClinVar aggregate classification (germline): Pathogenic (1 of 4 stars; one submission).

Submission:

GeneDx
Classification: Pathogenic. Last evaluated: 2016-03-05. Review status: criteria provided, single submitter. Criteria: GeneDx Variant Classification (06012015). Collection method: clinical testing. Allele origin: germline. Affected: yes.
Comment: The c.1091_1092dupCA pathogenic variant in the ZEB2 gene has not been reported previously as a pathogenic variant nor as a benign variant, to our knowledge. This variant causes a frameshift starting with codon Alanine 365, changes this amino acid to a Glutamine residue, and creates a premature Stop codon at position 6 of the new reading frame, denoted p.Ala365GlnfsX6. This variant is predicted to cause loss of normal protein function either through protein truncation or nonsense-mediated mRNA decay. The c.1091_1092dupCA variant was not observed in approximately 6500 individuals of European and African American ancestry in the NHLBI Exome Sequencing Project, indicating it is not a common benign variant in these populations. We interpret c.1091_1092dupCA as a pathogenic variant.